The following is an entry in ClinVar:

NM_016507.4(CDK12):c.2057C>T (p.Pro686Leu)

Gene: CDK12 (cyclin dependent kinase 12; plus strand). Cytogenetic location: 17q12.
Variant type: single nucleotide variant.
Coding change: c.2057C>T on transcript NM_016507.4 (MANE Select); coding-DNA position 2057, C replaced by T.
Protein change: p.Pro686Leu; replaces proline 686 with leucine.
Molecular consequence: missense variant.
Genome position (GRCh38, 1-based): chr17:39,490,682, C>T. VCF-style: chr17-39490682-C-T. GRCh37 (hg19) VCF-style: chr17-37646935-C-T.
Other names: c.2057C>T, p.Pro686Leu (NM_015083.4); short protein forms P686L.
Identifiers: ClinVar variation 2495350 (VCV002495350.3), dbSNP rs2051521786, ClinGen allele CA398830021.
Genomic context (GRCh38, chr17:39,490,682, plus strand): 5'-TCACAGACCTTCCTCTCCCTCCAGAGCTCCCTGGTGGAGATCTGTCTCCCCCAGACTCTC[C>T]AGAACCAAAGGCAATCACACCACCTCAGCAACCATATAAAAAGAGACCAAAGTGAGTTTT-3'
Protein context (NP_057591.2, residues 676-696): PGGDLSPPDS[Pro686Leu]EPKAITPPQQ

ClinVar aggregate classification (germline): Uncertain significance (1 of 4 stars; one submission).

Allele frequency attached by ClinVar (database versions not stated): TOPMed below 0.00001.
gnomAD v4.1: 1 of 1,613,710 alleles (0.000062%); highest among the groups gnomAD compares: African/African-American, 0.0013%; no homozygotes.

Submission:

Ambry Genetics
Classification: Uncertain significance. Last evaluated: 2025-04-18. Review status: criteria provided, single submitter. Criteria: Ambry Variant Classification Scheme 2023. Collection method: clinical testing. Allele origin: germline.
Comment: The p.P686L variant (also known as c.2057C>T), located in coding exon 3 of the CDK12 gene, results from a C to T substitution at nucleotide position 2057. The proline at codon 686 is replaced by leucine, an amino acid with similar properties. This amino acid position is conserved. In addition, the in silico prediction for this alteration is inconclusive. Based on the available evidence, the clinical significance of this variant remains unclear.